The following is an entry in ClinVar:

ClinVar aggregate classification (germline): Uncertain significance (1 of 4 stars; one submission).

Conditions:
Giant axonal neuropathy 1 (GAN1). Also called: GIANT AXONAL NEUROPATHY 1, AUTOSOMAL RECESSIVE; GAN-Related Neurodegeneration. Identifiers: Orphanet 643, MedGen C1850386, MONDO:0009749, OMIM 256850.

Allele frequency attached by ClinVar (database versions not stated): gnomAD exomes below 0.00001; TOPMed below 0.00001.
gnomAD v4.1: 1 of 1,586,542 alleles (0.000063%); highest among the groups gnomAD compares: Admixed American, 0.0017%; no homozygotes.

Submission:

Labcorp Genetics (formerly Invitae), Labcorp
Classification: Uncertain significance for Giant axonal neuropathy 1. Last evaluated: 2023-01-19. Review status: criteria provided, single submitter. Criteria: Invitae Variant Classification Sherloc (09022015). Collection method: clinical testing. Allele origin: germline.
Comment: In summary, the available evidence is currently insufficient to determine the role of this variant in disease. Therefore, it has been classified as a Variant of Uncertain Significance. Algorithms developed to predict the effect of missense changes on protein structure and function are either unavailable or do not agree on the potential impact of this missense change (SIFT: "Deleterious"; PolyPhen-2: "Probably Damaging"; Align-GVGD: "Class C0"). ClinVar contains an entry for this variant (Variation ID: 572884). This missense change has been observed in individual(s) with clinical features of GAN-related conditions (Invitae). This variant is present in population databases (no rsID available, gnomAD 0.003%). This sequence change replaces tryptophan, which is neutral and slightly polar, with cysteine, which is neutral and slightly polar, at codon 502 of the GAN protein (p.Trp502Cys).

NM_022041.4(GAN):c.1506G>T (p.Trp502Cys)

Gene: GAN (gigaxonin; plus strand). Cytogenetic location: 16q23.2.
Variant type: single nucleotide variant.
Coding change: c.1506G>T on transcript NM_022041.4 (MANE Select); coding-DNA position 1506, G replaced by T.
Protein change: p.Trp502Cys; replaces tryptophan 502 with cysteine.
Molecular consequence: missense variant.
Genome position (GRCh38, 1-based): chr16:81,377,222, G>T. VCF-style: chr16-81377222-G-T. GRCh37 (hg19) VCF-style: chr16-81410827-G-T.
Other names: c.867G>T, p.Trp289Cys (NM_001377486.1); short protein forms W502C, W289C.
Identifiers: ClinVar variation 572884 (VCV000572884.9), dbSNP rs1324877107, ClinGen allele CA396892011.